The following is an entry in ClinVar:

NM_017807.4(OSGEP):c.974G>A (p.Arg325Gln)

Gene: OSGEP (O-sialoglycoprotein endopeptidase; minus strand). Cytogenetic location: 14q11.2.
Variant type: single nucleotide variant.
Coding change: c.974G>A on transcript NM_017807.4 (MANE Select); coding-DNA position 974, G replaced by A.
Protein change: p.Arg325Gln; replaces arginine 325 with glutamine.
Molecular consequence: missense variant.
Genome position (GRCh38, 1-based): chr14:20,447,274, C>T on the plus strand (G>A on the coding strand, the complement: OSGEP is on the minus strand). VCF-style: chr14-20447274-C-T. GRCh37 (hg19) VCF-style: chr14-20915433-C-T.
Other names: p.Arg325Gln; short protein forms R325Q.
Identifiers: ClinVar variation 444886 (VCV000444886.10), dbSNP rs753237335, ClinGen allele CA7081001.

ClinVar aggregate classification (germline): Pathogenic. Review status: criteria provided, multiple submitters, no conflicts (2 of 4 stars). 6 submissions from 6 submitters: Pathogenic (5). 1 of the submissions does not count toward it. Last evaluated 2024-10-25.

Conditions:
Galloway-Mowat syndrome. Also called: GALLOWAY SYNDROME. Identifiers: Orphanet 2065, MedGen C0795949, MONDO:0009627.
Galloway-Mowat syndrome 3. Identifiers: MedGen C4540266, MONDO:0033007, OMIM 617729.

Allele frequency attached by ClinVar (database versions not stated): gnomAD 0.00001; ExAC 0.00002; gnomAD exomes 0.00002.
gnomAD v4.1: 11 of 1,613,958 alleles (0.00068%); highest among the groups gnomAD compares: East Asian, 0.0022%; no homozygotes.

Submissions (6):

3billion
Classification: Pathogenic for Galloway-Mowat syndrome 3. Last evaluated: 2024-10-25. Review status: criteria provided, single submitter. Criteria: ACMG Guidelines, 2015. Collection method: clinical testing. Allele origin: germline. Affected: yes.
Comment: The variant is observed at an extremely low frequency in the gnomAD v4.1.0 dataset (total allele frequency: <0.001%). Predicted Consequence/Location: Missense variant Functional studies provide moderate evidence of the variant having a damaging effect on the gene or gene product (PMID: 28272532). In silico tool predictions suggest damaging effect of the variant on gene or gene product [3Cnet: 0.60 (>=0.6, sensitivity 0.72 and precision 0.9)]. The same nucleotide change resulting in the same amino acid change has been previously reported as pathogenic/likely pathogenic with strong evidence (ClinVar ID: VCV000444886 /PMID: 28272532). Different missense changes at the same codon (p.Arg325Gly, p.Arg325Trp) have been reported to be associated with OSGEP-related disorder (ClinVar ID: VCV000449687 /PMID: 28805828, 35812735). Therefore, this variant is classified as Pathogenic according to the recommendation of ACMG/AMP guideline.

Women's Health and Genetics/Laboratory Corporation of America, LabCorp
Classification: Pathogenic for Galloway-Mowat syndrome 3. Last evaluated: 2024-10-11. Review status: criteria provided, single submitter. Criteria: LabCorp Variant Classification Summary - May 2015. Collection method: clinical testing. Allele origin: germline.
Comment: Variant summary: OSGEP c.974G>A (p.Arg325Gln) results in a conservative amino acid change located in the Gcp-like domain (IPR000905) of the encoded protein sequence. Four of five in-silico tools predict a damaging effect of the variant on protein function. The variant allele was found at a frequency of 1.6e-05 in 251478 control chromosomes. c.974G>A has been reported in the literature in both homozygous and compound heterozygous individuals affected with Galloway-Mowat Syndrome 3 (e.g., Braun_2017, Edvardson_2017), and the variant was shown to segregate with disease in at least one family. These data indicate that the variant is very likely to be associated with disease. Additionally, multiple publications report experimental evidence evaluating an impact on protein function, finding that the variant results in reduced N6-threonyl-carbamoyl-adenosine levels and increased DNA-damage response signaling (e.g., Braun_2017, Edvardson_2017). The following publications have been ascertained in the context of this evaluation (PMID: 28805828, 28272532). ClinVar contains an entry for this variant (Variation ID: 444886). Based on the evidence outlined above, the variant was classified as pathogenic.

Labcorp Genetics (formerly Invitae), Labcorp
Classification: Pathogenic. Last evaluated: 2024-02-23. Review status: criteria provided, single submitter. Criteria: Invitae Variant Classification Sherloc (09022015). Collection method: clinical testing. Allele origin: germline.
Comment: This sequence change replaces arginine, which is basic and polar, with glutamine, which is neutral and polar, at codon 325 of the OSGEP protein (p.Arg325Gln). This variant is present in population databases (rs753237335, gnomAD 0.005%). This missense change has been observed in individuals with Galloway-Mowat syndrome (PMID: 28272532, 28805828, 30141175, 31481669). ClinVar contains an entry for this variant (Variation ID: 444886). An algorithm developed to predict the effect of missense changes on protein structure and function (PolyPhen-2) suggests that this variant is likely to be disruptive. Experimental studies have shown that this missense change affects OSGEP function (PMID: 28272532, 28805828). For these reasons, this variant has been classified as Pathogenic.

Breakthrough Genomics
Classification: Pathogenic for Galloway-Mowat syndrome 3. Last evaluated: 2021-10-08. Review status: criteria provided, single submitter. Criteria: ACMG Guidelines, 2015. Collection method: clinical testing. Allele origin: germline. Affected: yes.
Comment: This variant was previously reported in multiple individuals with Galloway-Mowat syndrome 3 in homozygous state or in trans with a second OSGEP variant and segregated with the disease in family [PMID: 28272532, 28805828]. Functional studies suggested that the variant has a pathogenic effect by perturbing t6A synthesis, thereby interfering with global protein production [PMID: 28272532].

Centre de Biologie Pathologie Génétique, Centre Hospitalier Universitaire de Lille
Classification: Pathogenic for Galloway-Mowat syndrome. Review status: criteria provided, single submitter. Criteria: ACMG Guidelines, 2015. Collection method: clinical testing. Allele origin: inherited. Affected: yes.

OMIM
Classification: Pathogenic for GALLOWAY-MOWAT SYNDROME 3. Last evaluated: 2017-10-26. Review status: no assertion criteria provided. Collection method: literature only. Allele origin: germline. Not counted in ClinVar's aggregate classification.

Literature cited by the submitters: PubMed 28805828 (cited by 4 submitters); PubMed 28272532 (cited by 4 submitters); PubMed 30141175 (cited by Labcorp Genetics (formerly Invitae), Labcorp); PubMed 31481669 (cited by Labcorp Genetics (formerly Invitae), Labcorp); PubMed 17897280 (cited by OMIM).